The following is an entry in ClinVar:

NM_001356.5(DDX3X):c.1490C>T (p.Ala497Val)

Gene: DDX3X (DEAD-box helicase 3 X-linked; plus strand). Cytogenetic location: Xp11.4.
Variant type: single nucleotide variant.
Coding change: c.1490C>T on transcript NM_001356.5 (MANE Select); coding-DNA position 1490, C replaced by T.
Protein change: p.Ala497Val; replaces alanine 497 with valine.
Molecular consequence: missense variant. On other transcripts: non-coding transcript variant (1).
Genome position (GRCh38, 1-based): chrX:41,346,403, C>T. VCF-style: chrX-41346403-C-T. GRCh37 (hg19) VCF-style: chrX-41205656-C-T.
Other names: c.1490C>T, p.Ala497Val (NM_001193416.3); c.1442C>T, p.Ala481Val (NM_001193417.3); c.932C>T, p.Ala311Val (NM_001363819.1); short protein forms A497V, A481V, A311V.
Identifiers: ClinVar variation 207818 (VCV000207818.24), dbSNP rs796052236, ClinGen allele CA319644.

ClinVar aggregate classification (germline): Pathogenic/Likely pathogenic. Review status: criteria provided, multiple submitters, no conflicts (2 of 4 stars). 5 submissions from 5 submitters: Pathogenic (3); Likely pathogenic (2). Last evaluated 2024-08-01.

Conditions:
Inborn genetic diseases. Identifiers: MedGen C0950123, MeSH D030342.
Intellectual disability, X-linked 102 (MRXSSB). Also called: Intellectual developmental disorder, X-linked syndromic, Snijders Blok type. Identifiers: Orphanet 457260, MedGen C5393299, MONDO:0010497, OMIM 300958.

Submissions (5):

CeGaT Center for Human Genetics Tuebingen
Classification: Pathogenic. Last evaluated: 2024-08-01. Review status: criteria provided, single submitter. Criteria: CeGaT Center For Human Genetics Tuebingen Variant Classification Criteria Version 2. Collection method: clinical testing. Allele origin: germline. Affected: yes. Observed: 1 variant allele.
Comment: DDX3X: PS2, PM1, PM2, PM5, PS4:Moderate, PP2

Revvity Omics, Revvity
Classification: Likely pathogenic for Intellectual disability, X-linked 102. Last evaluated: 2022-06-08. Review status: criteria provided, single submitter. Criteria: ACMG Guidelines, 2015. Collection method: clinical testing. Allele origin: germline.

Labcorp Genetics (formerly Invitae), Labcorp
Classification: Pathogenic. Last evaluated: 2021-12-08. Review status: criteria provided, single submitter. Criteria: Invitae Variant Classification Sherloc (09022015). Collection method: clinical testing. Allele origin: germline.
Comment: This sequence change replaces alanine, which is neutral and non-polar, with valine, which is neutral and non-polar, at codon 497 of the DDX3X protein (p.Ala497Val). This variant is not present in population databases (gnomAD no frequency). This missense change has been observed in individual(s) with clinical features of DDX3X-related conditions (PMID: 32135084; Invitae). In at least one individual the variant was observed to be de novo. ClinVar contains an entry for this variant (Variation ID: 207818). Algorithms developed to predict the effect of missense changes on protein structure and function are either unavailable or do not agree on the potential impact of this missense change (SIFT: "Deleterious"; PolyPhen-2: "Not Available"; Align-GVGD: "Class C55"). For these reasons, this variant has been classified as Pathogenic.

Ambry Genetics
Classification: Pathogenic for Inborn genetic diseases. Last evaluated: 2015-09-29. Review status: criteria provided, single submitter. Criteria: Ambry exome assertion method (8-5-2015). Collection method: clinical testing. Allele origin: germline. Affected: yes. Observed: 1 variant allele.

Lifecell International Pvt. Ltd
Classification: Likely pathogenic for Intellectual disability, X-linked 102. Review status: criteria provided, single submitter. Criteria: ACMG Guidelines, 2015. Collection method: clinical testing. Allele origin: germline. Inheritance: X-linked dominant inheritance. Affected: yes. Observed: 1 heterozygote.
Comment: A Heterozygous Missense variant c.1490C>T in Exon 13 of the DDX3X gene that results in the amino acid substitution p.Ala497Val was identified. The observed variant is novel in gnomAD exomes and genomes, respectively. The severity of the impact of this variant on the protein is high, based on the effect of the protein and REVEL score. Rare Exome Variant Ensemble Learner (REVEL) is an ensembl method for predicting the pathogenicity of missense variants based on a combination of scores from 13 individual tools: MutPred, FATHMM v2.3, VEST 3.0, PolyPhen-2, SIFT, PROVEAN, MutationAssessor, MutationTaster, LRT, GERP++, SiPhy, phyloP, and phastCons. The REVEL score for an individual missense variant can range from 0 to 1, with higher scores reflecting greater likelihood that the variant is disease-causing. ClinVar has also classified this variant as Pathogenic [Variation ID: 207818]. The observed missense change has been previously observed in individual(s) with clinical features of DDX3X-related conditions (Lennox AL, et.al., 2020). For these reasons, this variant has been classified as Likely Pathogenic.

Literature cited by the submitters: PubMed 32135084 (cited by Labcorp Genetics (formerly Invitae), Labcorp and Lifecell International Pvt. Ltd).